The following is an entry in ClinVar:

ClinVar aggregate classification (germline): Uncertain significance. Review status: criteria provided, multiple submitters, no conflicts (2 of 4 stars). 2 submissions from 2 submitters: Uncertain significance (2). Last evaluated 2025-03-26.

Conditions:
Multiple endocrine neoplasia type 4. Also called: MULTIPLE ENDOCRINE NEOPLASIA, TYPE IV. Identifiers: Orphanet 276152, MedGen C1970712, MONDO:0012552, OMIM 610755.
Hereditary cancer-predisposing syndrome. Also called: Neoplastic Syndromes, Hereditary; Hereditary Cancer Syndrome; Tumor predisposition; Hereditary neoplastic syndrome. Identifiers: Orphanet 140162, MedGen C0027672, MeSH D009386, MONDO:0015356.

gnomAD v4.1: 10 of 1,614,056 alleles (0.00062%); highest among the groups gnomAD compares: Non-Finnish European, 0.00085%; no homozygotes.

Submissions (2):

Ambry Genetics
Classification: Uncertain significance for Hereditary cancer-predisposing syndrome. Last evaluated: 2025-03-26. Review status: criteria provided, single submitter. Criteria: Ambry Variant Classification Scheme 2023. Collection method: clinical testing. Allele origin: germline.
Comment: The p.N164K variant (also known as c.492C>A), located in coding exon 2 of the CDKN1B gene, results from a C to A substitution at nucleotide position 492. The asparagine at codon 164 is replaced by lysine, an amino acid with similar properties. This amino acid position is conserved. In addition, this alteration is predicted to be tolerated by in silico analysis. Since supporting evidence is limited at this time, the clinical significance of this alteration remains unclear.

Labcorp Genetics (formerly Invitae), Labcorp
Classification: Uncertain significance for Multiple endocrine neoplasia type 4. Last evaluated: 2024-04-06. Review status: criteria provided, single submitter. Criteria: Invitae Variant Classification Sherloc (09022015). Collection method: clinical testing. Allele origin: germline.
Comment: This sequence change replaces asparagine, which is neutral and polar, with lysine, which is basic and polar, at codon 164 of the CDKN1B protein (p.Asn164Lys). This variant is not present in population databases (gnomAD no frequency). This variant has not been reported in the literature in individuals affected with CDKN1B-related conditions. ClinVar contains an entry for this variant (Variation ID: 1467671). An algorithm developed to predict the effect of missense changes on protein structure and function (PolyPhen-2) suggests that this variant is likely to be disruptive. In summary, the available evidence is currently insufficient to determine the role of this variant in disease. Therefore, it has been classified as a Variant of Uncertain Significance.

NM_004064.5(CDKN1B):c.492C>A (p.Asn164Lys)

Gene: CDKN1B (cyclin dependent kinase inhibitor 1B; plus strand). Cytogenetic location: 12p13.1.
Variant type: single nucleotide variant.
Coding change: c.492C>A on transcript NM_004064.5 (MANE Select); coding-DNA position 492, C replaced by A.
Protein change: p.Asn164Lys; replaces asparagine 164 with lysine.
Molecular consequence: missense variant.
Genome position (GRCh38, 1-based): chr12:12,718,841, C>A. VCF-style: chr12-12718841-C-A. GRCh37 (hg19) VCF-style: chr12-12871775-C-A.
Other names: short protein forms N164K.
Identifiers: ClinVar variation 1467671 (VCV001467671.11), dbSNP rs762810555, ClinGen allele CA383972632.